The following is an entry in ClinVar:

ClinVar aggregate classification (germline): Uncertain significance (1 of 4 stars; one submission).

Conditions:
Familial adenomatous polyposis 1 (FAP1). Also called: POLYPOSIS, ADENOMATOUS INTESTINAL; FAMILIAL ADENOMATOUS POLYPOSIS 1, ATTENUATED. Identifiers: MedGen C2713442, MONDO:0021056, OMIM 175100. Disease mechanism: loss of function.

Submission:

Labcorp Genetics (formerly Invitae), Labcorp
Classification: Uncertain significance for Familial adenomatous polyposis 1. Last evaluated: 2021-12-27. Review status: criteria provided, single submitter. Criteria: Invitae Variant Classification Sherloc (09022015). Collection method: clinical testing. Allele origin: germline.
Comment: In summary, the available evidence is currently insufficient to determine the role of this variant in disease. Therefore, it has been classified as a Variant of Uncertain Significance. Experimental studies and prediction algorithms are not available or were not evaluated, and the functional significance of this variant is currently unknown. This variant has not been reported in the literature in individuals affected with APC-related conditions. This variant is not present in population databases (gnomAD no frequency). This variant occurs in a non-coding region of the APC gene. It does not change the encoded amino acid sequence of the APC protein.

NC_000005.10:g.112707485del

Genes: APC (APC regulator of Wnt signaling pathway; plus strand), LOC129994371 (ATAC-STARR-seq lymphoblastoid active region 22910; plus strand). Cytogenetic location: 5q22.2.
Variant type: Deletion.
Genome position: GRCh38 VCF-style: chr5-112707483-AC-A. GRCh37 (hg19) VCF-style: chr5-112043180-AC-A.
Identifiers: ClinVar variation 2162988 (VCV002162988.5), dbSNP rs2531734224, ClinGen allele CA2580072259.